The following is an entry in ClinVar:

NM_001367624.2(ZNF469):c.8636G>A (p.Gly2879Glu)

Gene: ZNF469 (zinc finger protein 469; plus strand). Cytogenetic location: 16q24.2.
Variant type: single nucleotide variant.
Coding change: c.8636G>A on transcript NM_001367624.2 (MANE Select); coding-DNA position 8636, G replaced by A.
Protein change: p.Gly2879Glu; replaces glycine 2879 with glutamic acid.
Molecular consequence: missense variant.
Genome position (GRCh38, 1-based): chr16:88,436,106, G>A. VCF-style: chr16-88436106-G-A. GRCh37 (hg19) VCF-style: chr16-88502514-G-A.
Other names: NM_001127464.1:c.8552G>A; short protein forms G2879E.
Identifiers: ClinVar variation 2284907 (VCV002284907.3), dbSNP rs2507600369, ClinGen allele CA397118936.

ClinVar aggregate classification (germline): Uncertain significance (1 of 4 stars; one submission).

Conditions:
Cardiovascular phenotype. Identifiers: MedGen CN230736.

Allele frequency attached by ClinVar (database versions not stated): gnomAD exomes below 0.00001.
gnomAD v4.1: 1 of 1,549,142 alleles (0.000065%); highest among the groups gnomAD compares: Non-Finnish European, 0.000087%; no homozygotes.

Submission:

Ambry Genetics
Classification: Uncertain significance for Cardiovascular phenotype. Last evaluated: 2026-06-12. Review status: criteria provided, single submitter. Criteria: Ambry Variant Classification Scheme 2023. Collection method: clinical testing. Allele origin: germline.
Comment: The p.G2851E variant (also known as c.8552G>A), located in coding exon 2 of the ZNF469 gene, results from a G to A substitution at nucleotide position 8552. The glycine at codon 2851 is replaced by glutamic acid, an amino acid with similar properties. This amino acid position is conserved. In addition, the in silico prediction for this alteration is inconclusive. Based on the available evidence, the clinical significance of this variant remains unclear.